The following is an entry in ClinVar:

ClinVar aggregate classification (germline): Uncertain significance (1 of 4 stars; one submission).

Conditions:
Juvenile polyposis syndrome (JPS). Identifiers: Orphanet 2929, MedGen C0345893, MONDO:0017380, OMIM 174900.

Submission:

Labcorp Genetics (formerly Invitae), Labcorp
Classification: Uncertain significance for Juvenile polyposis syndrome. Last evaluated: 2021-09-05. Review status: criteria provided, single submitter. Criteria: Invitae Variant Classification Sherloc (09022015). Collection method: clinical testing. Allele origin: germline.
Comment: This variant has not been reported in the literature in individuals affected with BMPR1A-related conditions. In summary, the available evidence is currently insufficient to determine the role of this variant in disease. Therefore, it has been classified as a Variant of Uncertain Significance. Advanced modeling of protein sequence and biophysical properties (such as structural, functional, and spatial information, amino acid conservation, physicochemical variation, residue mobility, and thermodynamic stability) performed at Invitae indicates that this missense variant is not expected to disrupt BMPR1A protein function. This variant is not present in population databases (ExAC no frequency). This sequence change replaces aspartic acid with valine at codon 40 of the BMPR1A protein (p.Asp40Val). The aspartic acid residue is moderately conserved and there is a large physicochemical difference between aspartic acid and valine.

NM_004329.3(BMPR1A):c.119A>T (p.Asp40Val)

Gene: BMPR1A (bone morphogenetic protein receptor type 1A; plus strand). Cytogenetic location: 10q23.2.
Variant type: single nucleotide variant.
Coding change: c.119A>T on transcript NM_004329.3 (MANE Select); coding-DNA position 119, A replaced by T.
Protein change: p.Asp40Val; replaces aspartic acid 40 with valine.
Molecular consequence: missense variant.
Genome position (GRCh38, 1-based): chr10:86,890,113, A>T. VCF-style: chr10-86890113-A-T. GRCh37 (hg19) VCF-style: chr10-88649870-A-T.
Other names: short protein forms D40V.
Identifiers: ClinVar variation 1379715 (VCV001379715.6), dbSNP rs1060503403, ClinGen allele CA377446506.